The following is an entry in ClinVar:

ClinVar aggregate classification (germline): Uncertain significance (1 of 4 stars; one submission).

Conditions:
Neuronal ceroid lipofuscinosis 7 (CLN7). Also called: MFSD8-Related Neuronal Ceroid-Lipofuscinosis. Identifiers: Orphanet 168491, Orphanet 228366, MedGen C1838571, MONDO:0012588, OMIM 610951.

Allele frequency attached by ClinVar (database versions not stated): gnomAD exomes below 0.00001; gnomAD 0.00001; TOPMed 0.00001; ESP Exome Variant Server 0.00008.
gnomAD v4.1: 4 of 1,613,902 alleles (0.00025%); highest among the groups gnomAD compares: African/African-American, 0.0027%; no homozygotes.

Submission:

Labcorp Genetics (formerly Invitae), Labcorp
Classification: Uncertain significance for Neuronal ceroid lipofuscinosis 7. Last evaluated: 2022-06-27. Review status: criteria provided, single submitter. Criteria: Invitae Variant Classification Sherloc (09022015). Collection method: clinical testing. Allele origin: germline.
Comment: Algorithms developed to predict the effect of missense changes on protein structure and function (SIFT, PolyPhen-2, Align-GVGD) all suggest that this variant is likely to be tolerated. This variant has not been reported in the literature in individuals affected with MFSD8-related conditions. This variant is not present in population databases (gnomAD no frequency). This sequence change replaces leucine, which is neutral and non-polar, with phenylalanine, which is neutral and non-polar, at codon 494 of the MFSD8 protein (p.Leu494Phe). In summary, the available evidence is currently insufficient to determine the role of this variant in disease. Therefore, it has been classified as a Variant of Uncertain Significance.

NM_001371596.2(MFSD8):c.1480C>T (p.Leu494Phe)

Gene: MFSD8 (major facilitator superfamily domain containing 8; minus strand). Cytogenetic location: 4q28.2.
Variant type: single nucleotide variant.
Coding change: c.1480C>T on transcript NM_001371596.2 (MANE Select); coding-DNA position 1480, C replaced by T.
Protein change: p.Leu494Phe; replaces leucine 494 with phenylalanine.
Molecular consequence: missense variant.
Genome position (GRCh38, 1-based): chr4:127,920,707, G>A on the plus strand (C>T on the coding strand, the complement: MFSD8 is on the minus strand). VCF-style: chr4-127920707-G-A. GRCh37 (hg19) VCF-style: chr4-128841862-G-A.
Other names: c.1279C>T, p.Leu427Phe (NM_001363520.3); c.1165C>T, p.Leu389Phe (NM_001363521.3); c.1345C>T, p.Leu449Phe (NM_001371590.2); c.1489C>T, p.Leu497Phe (NM_001371591.2); c.1486C>T, p.Leu496Phe (NM_001371592.2); c.1366C>T, p.Leu456Phe (NM_001371593.2); c.1333C>T, p.Leu445Phe (NM_001371594.2); c.1198C>T, p.Leu400Phe (NM_001371595.1); and 3 more; short protein forms L344F, L427F, L497F, L389F, L400F, L445F, L449F, L494F.
Identifiers: ClinVar variation 2145421 (VCV002145421.3), dbSNP rs149683848, ClinGen allele CA105669880.
Genomic context (GRCh38, chr4:127,920,707, plus strand): 5'-CATATCTTACAGAAAGAGCAATGAGTCTTTTGTAAACCACTCCCAGGAGGGTGATGGTGA[G>A]CACTATTATTCCACACACCAGGCTGAATGCCCATCGTGGTCCCCAGTGAGCATACACTTG-3'
Protein context (NP_001358525.1, residues 484-504): AFSLVCGIIV[Leu494Phe]TITLLGVVYK